The following is an entry in ClinVar:

ClinVar aggregate classification (germline): Uncertain significance. Review status: criteria provided, single submitter (1 of 4 stars). 2 submissions from 2 submitters: Uncertain significance (1). 1 of the submissions does not count toward it. Last evaluated 2024-02-08.

Conditions:
Glycine encephalopathy. Also called: Non-ketotic hyperglycinemia; Nonketotic hyperglycinemia. Identifiers: Orphanet 407, MedGen C0751748, MONDO:0011612, HP:0008288.

Allele frequency attached by ClinVar (database versions not stated): TOPMed 0.00002; ExAC 0.00001; gnomAD exomes 0.00001; gnomAD 0.00002.
gnomAD v4.1: 10 of 1,614,004 alleles (0.00062%); highest among the groups gnomAD compares: African/African-American, 0.0053%; no homozygotes.

Submissions (2):

Labcorp Genetics (formerly Invitae), Labcorp
Classification: Uncertain significance for Glycine encephalopathy. Last evaluated: 2024-02-08. Review status: criteria provided, single submitter. Criteria: Invitae Variant Classification Sherloc (09022015). Collection method: clinical testing. Allele origin: germline.
Comment: This sequence change replaces isoleucine, which is neutral and non-polar, with threonine, which is neutral and polar, at codon 312 of the GLDC protein (p.Ile312Thr). This variant is present in population databases (rs761921284, gnomAD 0.007%). This variant has not been reported in the literature in individuals affected with GLDC-related conditions. ClinVar contains an entry for this variant (Variation ID: 968273). Advanced modeling of protein sequence and biophysical properties (such as structural, functional, and spatial information, amino acid conservation, physicochemical variation, residue mobility, and thermodynamic stability) performed at Invitae indicates that this missense variant is expected to disrupt GLDC protein function with a positive predictive value of 80%. In summary, the available evidence is currently insufficient to determine the role of this variant in disease. Therefore, it has been classified as a Variant of Uncertain Significance.

Natera, Inc.
Classification: Uncertain significance for Non-ketotic hyperglycinemia. Last evaluated: 2020-03-10. Review status: no assertion criteria provided. Collection method: clinical testing. Allele origin: germline. Not counted in ClinVar's aggregate classification.

NM_000170.3(GLDC):c.935T>C (p.Ile312Thr)

Gene: GLDC (glycine decarboxylase; minus strand). Cytogenetic location: 9p24.1.
Variant type: single nucleotide variant.
Coding change: c.935T>C on transcript NM_000170.3 (MANE Select); coding-DNA position 935, T replaced by C.
Protein change: p.Ile312Thr; replaces isoleucine 312 with threonine.
Molecular consequence: missense variant.
Genome position (GRCh38, 1-based): chr9:6,604,711, A>G on the plus strand (T>C on the coding strand, the complement: GLDC is on the minus strand). VCF-style: chr9-6604711-A-G. GRCh37 (hg19) VCF-style: chr9-6604711-A-G.
Other names: short protein forms I312T.
Identifiers: ClinVar variation 968273 (VCV000968273.8), dbSNP rs761921284, ClinGen allele CA4980920.